The following is an entry in ClinVar:

NM_015512.5(DNAH1):c.5682G>A (p.Glu1894=)

Gene: DNAH1 (dynein axonemal heavy chain 1; plus strand). Cytogenetic location: 3p21.1.
Variant type: single nucleotide variant.
Coding change: c.5682G>A on transcript NM_015512.5 (MANE Select); coding-DNA position 5682, G replaced by A.
Protein change: p.Glu1894=; no amino-acid change (glutamic acid 1894 retained).
Molecular consequence: synonymous variant.
Genome position (GRCh38, 1-based): chr3:52,366,804, G>A. VCF-style: chr3-52366804-G-A. GRCh37 (hg19) VCF-style: chr3-52400820-G-A.
Identifiers: ClinVar variation 3046597 (VCV003046597.2), dbSNP rs778045529, ClinGen allele CA2434284.

ClinVar aggregate classification (germline): Likely benign (0 of 4 stars; one submission).

Conditions:
DNAH1-related disorder. Also called: DNAH1-related condition.

Allele frequency attached by ClinVar (database versions not stated): TOPMed below 0.00001; ExAC 0.00003.
gnomAD v4.1: 32 of 1,613,840 alleles (0.002%); highest among the groups gnomAD compares: South Asian, 0.03%; no homozygotes.

Submission:

PreventionGenetics, part of Exact Sciences
Classification: Likely benign for DNAH1-related condition. Last evaluated: 2019-03-20. Review status: no assertion criteria provided. Collection method: clinical testing. Allele origin: germline.
Comment: This variant is classified as likely benign based on ACMG/AMP sequence variant interpretation guidelines (Richards et al. 2015 PMID: 25741868, with internal and published modifications).